The following is an entry in ClinVar:

NM_152419.3(HGSNAT):c.1488C>T (p.Tyr496=)

Gene: HGSNAT (heparan-alpha-glucosaminide N-acetyltransferase; plus strand). Cytogenetic location: 8p11.21.
Variant type: single nucleotide variant.
Coding change: c.1488C>T on transcript NM_152419.3 (MANE Select); coding-DNA position 1488, C replaced by T.
Protein change: p.Tyr496=; no amino-acid change (tyrosine 496 retained).
Molecular consequence: synonymous variant.
Genome position (GRCh38, 1-based): chr8:43,196,971, C>T. VCF-style: chr8-43196971-C-T. GRCh37 (hg19) VCF-style: chr8-43052114-C-T.
Other names: c.1575C>T, p.Tyr525= (NM_001363227.2); c.1296C>T, p.Tyr432= (NM_001363228.2); c.624C>T, p.Tyr208= (NM_001363229.2).
Identifiers: ClinVar variation 909564 (VCV000909564.13), dbSNP rs371042202, ClinGen allele CA4736915.

ClinVar aggregate classification (germline): Conflicting classifications of pathogenicity. Review status: criteria provided, conflicting classifications (1 of 4 stars). 4 submissions from 4 submitters: Uncertain significance (1); Likely benign (3). Last evaluated 2026-03-02.

Conditions:
HGSNAT-related disorder. Also called: HGSNAT-related condition.
Mucopolysaccharidosis, MPS-III-C (MPS3C). Also called: mucopolysaccharidosis type 3C; MUCOPOLYSACCHARIDOSIS, TYPE IIIC; SANFILIPPO SYNDROME C; MPS III C; Mucopolysaccharidosis type IIIC (Sanfilippo C); MPS IIIC (Sanfilippo Syndrome Type C). Identifiers: Orphanet 581, Orphanet 79271, MedGen C0086649, MONDO:0009657, OMIM 252930.
Retinitis pigmentosa 73 (RP73). Identifiers: Orphanet 791, MedGen C4225287, MONDO:0014687, OMIM 616544.

Allele frequency attached by ClinVar (database versions not stated): gnomAD exomes 0.00004 and 0.00001; TOPMed 0.00016; gnomAD 0.00017 and 0.00013; ESP Exome Variant Server 0.00008; ExAC 0.00004.
gnomAD v4.1: 40 of 1,610,876 alleles (0.0025%); highest among the groups gnomAD compares: African/African-American, 0.048%; no homozygotes.

Submissions (4):

PreventionGenetics, part of Exact Sciences
Classification: Likely benign for HGSNAT-related condition. Last evaluated: 2026-03-02. Review status: criteria provided, single submitter. Criteria: ACMG Guidelines, 2015. Collection method: clinical testing. Allele origin: germline.
Comment: This variant is classified as likely benign based on ACMG/AMP sequence variant interpretation guidelines (Richards et al. 2015 PMID: 25741868, with internal and published modifications).

Labcorp Genetics (formerly Invitae), Labcorp
Classification: Likely benign for Retinitis pigmentosa 73; Mucopolysaccharidosis, MPS-III-C. Last evaluated: 2026-01-21. Review status: criteria provided, single submitter. Criteria: Invitae Variant Classification Sherloc (09022015). Collection method: clinical testing. Allele origin: germline.

Blueprint Genetics
Classification: Likely benign. Last evaluated: 2022-04-12. Review status: criteria provided, single submitter. Criteria: ACMG Guidelines, 2015. Collection method: clinical testing. Allele origin: germline.

Illumina Laboratory Services, Illumina
Classification: Uncertain significance for Mucopolysaccharidosis, MPS-III-C. Last evaluated: 2018-01-13. Review status: criteria provided, single submitter. Criteria: ICSL Variant Classification Criteria 13 December 2019. Collection method: clinical testing. Allele origin: germline.